The following is an entry in ClinVar:

NM_002878.4(RAD51D):c.13A>C (p.Arg5=)

Genes: RAD51L3-RFFL (RAD51L3-RFFL readthrough; minus strand), RAD51D (RAD51 paralog D; minus strand). Cytogenetic location: 17q12.
Variant type: single nucleotide variant.
Coding change: c.13A>C on transcript NM_002878.4 (MANE Select); coding-DNA position 13, A replaced by C.
Protein change: p.Arg5=; no amino-acid change (arginine 5 retained).
Molecular consequence: synonymous variant. On other transcripts: non-coding transcript variant (2).
Genome position (GRCh38, 1-based): chr17:35,119,601, T>G on the plus strand (A>C on the coding strand, the complement: RAD51D is on the minus strand). VCF-style: chr17-35119601-T-G. GRCh37 (hg19) VCF-style: chr17-33446620-T-G.
Other names: c.13A>C, p.Arg5= (NM_001142571.2, NM_133629.3).
Identifiers: ClinVar variation 819118 (VCV000819118.16), dbSNP rs876660779, ClinGen allele CA290007310.

ClinVar aggregate classification (germline): Benign/Likely benign. Review status: criteria provided, multiple submitters, no conflicts (2 of 4 stars). 4 submissions from 4 submitters: Benign (1); Likely benign (3). Last evaluated 2025-02-19.

Conditions:
Hereditary cancer-predisposing syndrome. Also called: Tumor predisposition; Hereditary neoplastic syndrome; Neoplastic Syndromes, Hereditary; Hereditary Cancer Syndrome. Identifiers: Orphanet 140162, MedGen C0027672, MeSH D009386, MONDO:0015356.
Breast-ovarian cancer, familial, susceptibility to, 4. Identifiers: Orphanet 145, MedGen C3280345, MONDO:0013669, OMIM 614291.

Submissions (4):

Myriad Genetics, Inc.
Classification: Benign for Breast-ovarian cancer, familial, susceptibility to, 4. Last evaluated: 2025-02-19. Review status: criteria provided, single submitter. Criteria: Myriad Autosomal Dominant, Autosomal Recessive and X-Linked Classification Criteria (2023). Collection method: clinical testing. Allele origin: unknown.
Comment: This variant is considered benign. This variant is a silent/synonymous amino acid change and it is not expected to impact splicing.

Labcorp Genetics (formerly Invitae), Labcorp
Classification: Likely benign for Breast-ovarian cancer, familial, susceptibility to, 4. Last evaluated: 2021-04-26. Review status: criteria provided, single submitter. Criteria: Invitae Variant Classification Sherloc (09022015). Collection method: clinical testing. Allele origin: germline.

Color Diagnostics, LLC DBA Color Health
Classification: Likely benign for Hereditary cancer-predisposing syndrome. Last evaluated: 2019-02-06. Review status: criteria provided, single submitter. Criteria: ACMG Guidelines, 2015. Collection method: clinical testing. Allele origin: germline.

Ambry Genetics
Classification: Likely benign for Hereditary cancer-predisposing syndrome. Last evaluated: 2018-07-12. Review status: criteria provided, single submitter. Criteria: Ambry Variant Classification Scheme 2023. Collection method: clinical testing. Allele origin: germline.